The following is an entry in ClinVar:

ClinVar aggregate classification (germline): Uncertain significance (1 of 4 stars; one submission).

Submission:

GeneDx
Classification: Uncertain significance. Last evaluated: 2025-02-18. Review status: criteria provided, single submitter. Criteria: GeneDx Variant Classification Process June 2021. Collection method: clinical testing. Allele origin: germline. Affected: yes.
Comment: Not observed at significant frequency in large population cohorts (gnomAD); In silico analysis supports that this missense variant has a deleterious effect on protein structure/function; Missense variants in this gene are a common cause of disease and they are underrepresented in the general population; Has not been previously published as pathogenic or benign to our knowledge

NM_005633.4(SOS1):c.1841C>T (p.Thr614Met)

Gene: SOS1 (SOS Ras/Rac guanine nucleotide exchange factor 1; minus strand). Cytogenetic location: 2p22.1.
Variant type: single nucleotide variant.
Coding change: c.1841C>T on transcript NM_005633.4 (MANE Select); coding-DNA position 1841, C replaced by T.
Protein change: p.Thr614Met; replaces threonine 614 with methionine.
Molecular consequence: missense variant.
Genome position (GRCh38, 1-based): chr2:39,022,587, G>A on the plus strand (C>T on the coding strand, the complement: SOS1 is on the minus strand). VCF-style: chr2-39022587-G-A. GRCh37 (hg19) VCF-style: chr2-39249728-G-A.
Other names: c.1820C>T, p.Thr607Met (NM_001382394.1); c.1841C>T, p.Thr614Met (NM_001382395.1); short protein forms T607M, T614M.
Identifiers: ClinVar variation 4075723 (VCV004075723.1).
Genomic context (GRCh38, chr2:39,022,587, plus strand): 5'-GAAGCAGGAAAACAAAAGTGACAGGCAACTGCATAATTCTTACCTGCGTACATATGGTAC[G>A]TAAGCCTCTCTATAAGTTTAATAACAGTTCCTGCTTTGATAATTGGAATTCCAGCCTTGG-3'
Protein context (NP_005624.2, residues 604-624): GTVIKLIERL[Thr614Met]YHMYADPNFV